The following is an entry in ClinVar:

ClinVar aggregate classification (germline): Uncertain significance (1 of 4 stars; one submission).

Conditions:
Hyperaldosteronism, familial, type IV (HALD4). Also called: FH IV; ALDOSTERONISM, PRIMARY, AND HYPERTENSION. Identifiers: Orphanet 642671, MedGen C4310756, MONDO:0014875, OMIM 617027.
Idiopathic generalized epilepsy. Also called: EIG; Generalised epilepsy. Identifiers: MedGen C0270850, MONDO:0005579, OMIM 600669.

gnomAD v4.1: 6 of 1,611,334 alleles (0.00037%); highest among the groups gnomAD compares: South Asian, 0.0011%; no homozygotes.

Submission:

Labcorp Genetics (formerly Invitae), Labcorp
Classification: Uncertain significance for Idiopathic generalized epilepsy; Hyperaldosteronism, familial, type IV. Last evaluated: 2025-09-17. Review status: criteria provided, single submitter. Criteria: Invitae Variant Classification Sherloc (09022015). Collection method: clinical testing. Allele origin: germline.
Comment: This sequence change replaces arginine, which is basic and polar, with leucine, which is neutral and non-polar, at codon 1479 of the CACNA1H protein (p.Arg1479Leu). This variant is not present in population databases (gnomAD no frequency). This variant has not been reported in the literature in individuals affected with CACNA1H-related conditions. Invitae Evidence Modeling of protein sequence and biophysical properties (such as structural, functional, and spatial information, amino acid conservation, physicochemical variation, residue mobility, and thermodynamic stability) has been performed for this missense variant. However, the output from this modeling did not meet the statistical confidence thresholds required to predict the impact of this variant on CACNA1H protein function. In summary, the available evidence is currently insufficient to determine the role of this variant in disease. Therefore, it has been classified as a Variant of Uncertain Significance.

NM_021098.3(CACNA1H):c.4436G>T (p.Arg1479Leu)

Gene: CACNA1H (calcium voltage-gated channel subunit alpha1 H; plus strand). Cytogenetic location: 16p13.3.
Variant type: single nucleotide variant.
Coding change: c.4436G>T on transcript NM_021098.3 (MANE Select); coding-DNA position 4436, G replaced by T.
Protein change: p.Arg1479Leu; replaces arginine 1479 with leucine.
Molecular consequence: missense variant.
Genome position (GRCh38, 1-based): chr16:1,211,566, G>T. VCF-style: chr16-1211566-G-T. GRCh37 (hg19) VCF-style: chr16-1261566-G-T.
Other names: c.4436G>T, p.Arg1479Leu (NM_001005407.2); short protein forms R1479L.
Identifiers: ClinVar variation 4792032 (VCV004792032.1).